The following is an entry in ClinVar:

ClinVar aggregate classification (germline): Uncertain significance. Review status: criteria provided, multiple submitters, no conflicts (2 of 4 stars). 2 submissions from 2 submitters: Uncertain significance (2). Last evaluated 2026-01-09.

Conditions:
USP9X-related disorder. Also called: USP9X-related condition.

Allele frequency attached by ClinVar (database versions not stated): gnomAD 0.00001; gnomAD exomes below 0.00001; TOPMed 0.00001.
gnomAD v4.1: 2 of 1,209,355 alleles (0.00017%); highest among the groups gnomAD compares: Non-Finnish European, 0.00022%; no homozygotes.

Submissions (2):

GeneDx
Classification: Uncertain significance. Last evaluated: 2026-01-09. Review status: criteria provided, single submitter. Criteria: GeneDx Variant Classification Process June 2021. Collection method: clinical testing. Allele origin: germline.
Comment: Not observed at significant frequency in large population cohorts (gnomAD); In silico analysis suggests that this missense variant does not alter protein structure/function; Has not been previously published as pathogenic or benign to our knowledge

PreventionGenetics, part of Exact Sciences
Classification: Uncertain significance for USP9X-related condition. Last evaluated: 2023-05-01. Review status: criteria provided, single submitter. Criteria: ACMG Guidelines, 2015. Collection method: clinical testing. Allele origin: germline.
Comment: The USP9X c.6827C>G variant is predicted to result in the amino acid substitution p.Ala2276Gly. To our knowledge, this variant has not been reported in the literature or in a large population database, indicating this variant is rare. At this time, the clinical significance of this variant is uncertain due to the absence of conclusive functional and genetic evidence.

NM_001039591.3(USP9X):c.6827C>G (p.Ala2276Gly)

Gene: USP9X (ubiquitin specific peptidase 9 X-linked; plus strand). Cytogenetic location: Xp11.4.
Variant type: single nucleotide variant.
Coding change: c.6827C>G on transcript NM_001039591.3 (MANE Select); coding-DNA position 6827, C replaced by G.
Protein change: p.Ala2276Gly; replaces alanine 2276 with glycine.
Molecular consequence: missense variant.
Genome position (GRCh38, 1-based): chrX:41,224,817, C>G. VCF-style: chrX-41224817-C-G. GRCh37 (hg19) VCF-style: chrX-41084070-C-G.
Other names: c.6827C>G, p.Ala2276Gly (NM_001039590.3); c.6842C>G, p.Ala2281Gly (NM_001410748.1, NM_001410749.1); short protein forms A2276G, A2281G.
Identifiers: ClinVar variation 2629095 (VCV002629095.3), dbSNP rs2063298927, ClinGen allele CA412749936.